The following is an entry in ClinVar:

NM_001164508.2(NEB):c.6204T>G (p.Tyr2068Ter)

Gene: NEB (nebulin; minus strand). Cytogenetic location: 2q23.3.
Variant type: single nucleotide variant.
Coding change: c.6204T>G on transcript NM_001164508.2 (MANE Select); coding-DNA position 6204, T replaced by G.
Protein change: p.Tyr2068Ter; replaces tyrosine 2068 with a stop codon.
Molecular consequence: nonsense.
Genome position (GRCh38, 1-based): chr2:151,656,444, A>C on the plus strand (T>G on the coding strand, the complement: NEB is on the minus strand). VCF-style: chr2-151656444-A-C. GRCh37 (hg19) VCF-style: chr2-152512958-A-C.
Other names: c.6204T>G, p.Tyr2068Ter (NM_001164507.2, NM_001271208.2, NM_004543.5); short protein forms Y2068*.
Identifiers: ClinVar variation 1370327 (VCV001370327.6), dbSNP rs2154149362, ClinGen allele CA348800497.

ClinVar aggregate classification (germline): Pathogenic (1 of 4 stars; one submission).

Conditions:
Nemaline myopathy 2 (NEM2). Also called: Nemaline myopathy 2, autosomal recessive. Identifiers: MedGen C1850569, MONDO:0009725, OMIM 256030.

Submission:

Labcorp Genetics (formerly Invitae), Labcorp
Classification: Pathogenic for Nemaline myopathy 2. Last evaluated: 2023-06-16. Review status: criteria provided, single submitter. Criteria: Invitae Variant Classification Sherloc (09022015). Collection method: clinical testing. Allele origin: germline.
Comment: ClinVar contains an entry for this variant (Variation ID: 1370327). This variant has not been reported in the literature in individuals affected with NEB-related conditions. This variant is not present in population databases (gnomAD no frequency). This sequence change creates a premature translational stop signal (p.Tyr2068*) in the NEB gene. It is expected to result in an absent or disrupted protein product. Loss-of-function variants in NEB are known to be pathogenic (PMID: 25205138). Algorithms developed to predict the effect of sequence changes on RNA splicing suggest that this variant may create or strengthen a splice site. For these reasons, this variant has been classified as Pathogenic.

Literature cited by the submitters: PubMed 25205138.